The following is an entry in ClinVar:

ClinVar aggregate classification (germline): Uncertain significance (1 of 4 stars; one submission).

Conditions:
Cholestanol storage disease (CTX). Also called: CEREBRAL CHOLESTERINOSIS; CTX: Cerebrotendinous xanthomatosis; Cerebrotendinous Xanthomatosis. Identifiers: Orphanet 909, MedGen C0238052, MONDO:0008948, OMIM 213700.

Allele frequency attached by ClinVar (database versions not stated): ExAC 0.00001; gnomAD 0.00001.
gnomAD v4.1: 1 of 1,614,048 alleles (0.000062%); highest among the groups gnomAD compares: Non-Finnish European, 0.000085%; no homozygotes.

Submission:

Labcorp Genetics (formerly Invitae), Labcorp
Classification: Uncertain significance for Cholestanol storage disease. Last evaluated: 2023-11-21. Review status: criteria provided, single submitter. Criteria: Invitae Variant Classification Sherloc (09022015). Collection method: clinical testing. Allele origin: germline.
Comment: This sequence change replaces asparagine, which is neutral and polar, with serine, which is neutral and polar, at codon 128 of the CYP27A1 protein (p.Asn128Ser). This variant is present in population databases (rs759816877, gnomAD 0.0009%). This variant has not been reported in the literature in individuals affected with CYP27A1-related conditions. ClinVar contains an entry for this variant (Variation ID: 2421335). Advanced modeling of protein sequence and biophysical properties (such as structural, functional, and spatial information, amino acid conservation, physicochemical variation, residue mobility, and thermodynamic stability) performed at Invitae indicates that this missense variant is not expected to disrupt CYP27A1 protein function with a negative predictive value of 95%. In summary, the available evidence is currently insufficient to determine the role of this variant in disease. Therefore, it has been classified as a Variant of Uncertain Significance.

NM_000784.4(CYP27A1):c.383A>G (p.Asn128Ser)

Gene: CYP27A1 (cytochrome P450 family 27 subfamily A member 1; plus strand). Cytogenetic location: 2q35.
Variant type: single nucleotide variant.
Coding change: c.383A>G on transcript NM_000784.4 (MANE Select); coding-DNA position 383, A replaced by G.
Protein change: p.Asn128Ser; replaces asparagine 128 with serine.
Molecular consequence: missense variant.
Genome position (GRCh38, 1-based): chr2:218,809,704, A>G. VCF-style: chr2-218809704-A-G. GRCh37 (hg19) VCF-style: chr2-219674427-A-G.
Other names: short protein forms N128S.
Identifiers: ClinVar variation 2421335 (VCV002421335.4), dbSNP rs759816877, ClinGen allele CA2112580.